The following is an entry in ClinVar:

ClinVar aggregate classification (germline): Uncertain significance (1 of 4 stars; one submission).

Conditions:
Inborn genetic diseases. Identifiers: MedGen C0950123, MeSH D030342.

gnomAD v4.1: 24 of 1,612,862 alleles (0.0015%); highest among the groups gnomAD compares: African/African-American, 0.0027%; no homozygotes.

Submission:

Ambry Genetics
Classification: Uncertain significance for Inborn genetic diseases. Last evaluated: 2026-08-17. Review status: criteria provided, single submitter. Criteria: Ambry Variant Classification Scheme 2023. Collection method: clinical testing. Allele origin: germline.
Comment: The c.1805T>C (p.I602T) alteration is located in exon 14 (coding exon 14) of the PGM2L1 gene. This alteration results from a T to C substitution at nucleotide position 1805, causing the isoleucine (I) at amino acid position 602 to be replaced by a threonine (T). Based on data from gnomAD, the C allele has an overall frequency of 0.001% (3/250882) total alleles studied. The highest observed frequency was 0.007% (2/30510) of South Asian alleles. Based on insufficient or conflicting evidence, the clinical significance of this alteration remains unclear.

NM_173582.6(PGM2L1):c.1805T>C (p.Ile602Thr)

Gene: PGM2L1 (phosphoglucomutase 2 like 1; minus strand). Cytogenetic location: 11q13.4.
Variant type: single nucleotide variant.
Coding change: c.1805T>C on transcript NM_173582.6 (MANE Select); coding-DNA position 1805, T replaced by C.
Protein change: p.Ile602Thr; replaces isoleucine 602 with threonine.
Molecular consequence: missense variant.
Genome position (GRCh38, 1-based): chr11:74,336,716, A>G on the plus strand (T>C on the coding strand, the complement: PGM2L1 is on the minus strand). VCF-style: chr11-74336716-A-G. GRCh37 (hg19) VCF-style: chr11-74047761-A-G.
Other names: short protein forms I602T.
Identifiers: ClinVar variation 5026485 (VCV005026485.1).